The following is an entry in ClinVar:

NM_001042681.2(RERE):c.1655C>T (p.Pro552Leu)

Gene: RERE (arginine-glutamic acid dipeptide repeats; minus strand). Cytogenetic location: 1p36.23.
Variant type: single nucleotide variant.
Coding change: c.1655C>T on transcript NM_001042681.2 (MANE Select); coding-DNA position 1655, C replaced by T.
Protein change: p.Pro552Leu; replaces proline 552 with leucine.
Molecular consequence: missense variant. On other transcripts: 5 prime UTR variant (1).
Genome position (GRCh38, 1-based): chr1:8,364,141, G>A on the plus strand (C>T on the coding strand, the complement: RERE is on the minus strand). VCF-style: chr1-8364141-G-A. GRCh37 (hg19) VCF-style: chr1-8424201-G-A.
Other names: c.-8C>T (NM_001042682.2); c.1655C>T, p.Pro552Leu (NM_012102.4); short protein forms P552L.
Identifiers: ClinVar variation 2531048 (VCV002531048.4), dbSNP rs777401627, ClinGen allele CA571627.

ClinVar aggregate classification (germline): Conflicting classifications of pathogenicity. Review status: criteria provided, conflicting classifications (1 of 4 stars). 2 submissions from 2 submitters: Uncertain significance (1); Likely benign (1). Last evaluated 2024-03-28.

Conditions:
Inborn genetic diseases. Identifiers: MedGen C0950123, MeSH D030342.

Allele frequency attached by ClinVar (database versions not stated): TOPMed below 0.00001; gnomAD 0.00001; gnomAD exomes 0.00001; ExAC 0.00002.

Submissions (2):

Women's Health and Genetics/Laboratory Corporation of America, LabCorp
Classification: Uncertain significance. Last evaluated: 2024-03-28. Review status: criteria provided, single submitter. Criteria: LabCorp Variant Classification Summary - May 2015. Collection method: clinical testing. Allele origin: germline.
Comment: Variant summary: RERE c.1655C>T (p.Pro552Leu) results in a non-conservative amino acid change located in the Zinc finger, GATA-type domain (IPR000679) of the encoded protein sequence. Four of five in-silico tools predict a damaging effect of the variant on protein function. The variant allele was found at a frequency of 1.6e-05 in 251466 control chromosomes (gnomAD). The available data on variant occurrences in the general population are insufficient to allow any conclusion about variant significance. To our knowledge, no occurrence of c.1655C>T in individuals affected with Neurodevelopmental Disorder With Or Without Anomalies Of The Brain, Eye, Or Heart and no experimental evidence demonstrating its impact on protein function have been reported. ClinVar contains an entry for this variant (Variation ID: 2531048). Based on the evidence outlined above, the variant was classified as uncertain significance.

Ambry Genetics
Classification: Likely benign for Inborn genetic diseases. Last evaluated: 2023-03-29. Review status: criteria provided, single submitter. Criteria: Ambry Variant Classification Scheme 2023. Collection method: clinical testing. Allele origin: germline.